The following is an entry in ClinVar:

ClinVar aggregate classification (germline): Uncertain significance. Review status: criteria provided, multiple submitters, no conflicts (2 of 4 stars). 2 submissions from 2 submitters: Uncertain significance (2). Last evaluated 2026-06-01.

Conditions:
PLXNA1-related disorder. Also called: PLXNA1-related condition.

gnomAD v4.1: 15 of 1,612,472 alleles (0.00093%); highest among the groups gnomAD compares: Admixed American, 0.005%; no homozygotes.

Submissions (2):

CeGaT Center for Human Genetics Tuebingen
Classification: Uncertain significance. Last evaluated: 2026-06-01. Review status: criteria provided, single submitter. Criteria: CeGaT Center For Human Genetics Tuebingen Variant Classification Criteria Version 2. Collection method: clinical testing. Allele origin: germline. Affected: yes. Observed: 1 variant allele.
Comment: PLXNA1: PM2, BP4

PreventionGenetics, part of Exact Sciences
Classification: Uncertain significance for PLXNA1-related condition. Last evaluated: 2025-09-03. Review status: criteria provided, single submitter. Criteria: ACMG Guidelines, 2015. Collection method: clinical testing. Allele origin: germline.
Comment: The PLXNA1 c.1832A>G variant is predicted to result in the amino acid substitution p.Glu611Gly. To our knowledge, this variant has not been reported in the literature. This variant is reported in 0.0087% of alleles in individuals of Latino descent in gnomAD. At this time, the clinical significance of this variant is uncertain due to the absence of conclusive functional and genetic evidence.

NM_032242.4(PLXNA1):c.1832A>G (p.Glu611Gly)

Gene: PLXNA1 (plexin A1; plus strand). Cytogenetic location: 3q21.3.
Variant type: single nucleotide variant.
Coding change: c.1832A>G on transcript NM_032242.4 (MANE Select); coding-DNA position 1832, A replaced by G.
Protein change: p.Glu611Gly; replaces glutamic acid 611 with glycine.
Molecular consequence: missense variant.
Genome position (GRCh38, 1-based): chr3:127,005,178, A>G. VCF-style: chr3-127005178-A-G. GRCh37 (hg19) VCF-style: chr3-126724021-A-G.
Other names: c.1832A>G (NM_032242.3); short protein forms E611G.
Identifiers: ClinVar variation 4874028 (VCV004874028.3).